The following is an entry in ClinVar:

NM_005708.5(GPC6):c.991A>T (p.Met331Leu)

Gene: GPC6 (glypican 6; plus strand). Cytogenetic location: 13q31.3.
Variant type: single nucleotide variant.
Coding change: c.991A>T on transcript NM_005708.5 (MANE Select); coding-DNA position 991, A replaced by T.
Protein change: p.Met331Leu; replaces methionine 331 with leucine.
Molecular consequence: missense variant.
Genome position (GRCh38, 1-based): chr13:94,286,462, A>T. VCF-style: chr13-94286462-A-T. GRCh37 (hg19) VCF-style: chr13-94938716-A-T.
Other names: short protein forms M331L.
Identifiers: ClinVar variation 312541 (VCV000312541.15), dbSNP rs78029763, ClinGen allele CA7017023.

ClinVar aggregate classification (germline): Benign. Review status: criteria provided, multiple submitters, no conflicts (2 of 4 stars). 2 submissions from 2 submitters: Benign (2). Last evaluated 2026-01-20.

Conditions:
Autosomal recessive omodysplasia (OMOD1). Also called: MICROMELIC DYSPLASIA, CONGENITAL, WITH DISLOCATION OF RADIUS. Identifiers: Orphanet 2733, Orphanet 93329, MedGen C1850318, MONDO:0009779, OMIM 258315.

Allele frequency attached by ClinVar (database versions not stated): gnomAD 0.00626 and 0.00683; 1000 Genomes Project 0.00639; 1000 Genomes Project 30x 0.00656; ESP Exome Variant Server 0.00692; TOPMed 0.00727.
gnomAD v4.1: 2,027 of 1,613,676 alleles (0.13%); highest among the groups gnomAD compares: African/African-American, 2.2%; 25 homozygotes.

Submissions (2):

Labcorp Genetics (formerly Invitae), Labcorp
Classification: Benign. Last evaluated: 2026-01-20. Review status: criteria provided, single submitter. Criteria: Invitae Variant Classification Sherloc (09022015). Collection method: clinical testing. Allele origin: germline.

Illumina Laboratory Services, Illumina
Classification: Benign for Autosomal recessive omodysplasia. Last evaluated: 2018-01-13. Review status: criteria provided, single submitter. Criteria: ICSL Variant Classification Criteria 13 December 2019. Collection method: clinical testing. Allele origin: germline.
Comment: This variant was observed in the ICSL laboratory as part of a predisposition screen in an ostensibly healthy population. It had not been previously curated by ICSL or reported in the Human Gene Mutation Database (HGMD: prior to June 1st, 2018), and was therefore a candidate for classification through an automated scoring system. Utilizing variant allele frequency, disease prevalence and penetrance estimates, and inheritance mode, an automated score was calculated to assess if this variant is too frequent to cause the disease. Based on the score and internal cut-off values, a variant classified as benign is not then subjected to further curation. The score for this variant resulted in a classification of benign for this disease.